The following is an entry in ClinVar:

NM_001009999.3(KDM1A):c.2540G>A (p.Gly847Glu)

Gene: KDM1A (lysine demethylase 1A; plus strand). Cytogenetic location: 1p36.12.
Variant type: single nucleotide variant.
Coding change: c.2540G>A on transcript NM_001009999.3 (MANE Select); coding-DNA position 2540, G replaced by A.
Protein change: p.Gly847Glu; replaces glycine 847 with glutamic acid.
Molecular consequence: missense variant. On other transcripts: 3 prime UTR variant (1).
Genome position (GRCh38, 1-based): chr1:23,083,273, G>A. VCF-style: chr1-23083273-G-A. GRCh37 (hg19) VCF-style: chr1-23409766-G-A.
Other names: c.2486G>A, p.Gly829Glu (NM_001363654.2); c.2546G>A, p.Gly849Glu (NM_001410762.1); c.*788G>A (NM_001410763.1); c.2468G>A, p.Gly823Glu (NM_015013.4); short protein forms G823E, G829E, G849E, G847E.
Identifiers: ClinVar variation 4622719 (VCV004622719.1).

ClinVar aggregate classification (germline): Uncertain significance (1 of 4 stars; one submission).

Conditions:
Inborn genetic diseases. Identifiers: MedGen C0950123, MeSH D030342.

gnomAD v4.1: 2 of 1,613,984 alleles (0.00012%); highest among the groups gnomAD compares: Non-Finnish European, 0.00017%; no homozygotes.

Submission:

Ambry Genetics
Classification: Uncertain significance for Inborn genetic diseases. Last evaluated: 2025-11-22. Review status: criteria provided, single submitter. Criteria: Ambry Variant Classification Scheme 2023. Collection method: clinical testing. Allele origin: germline.
Comment: The p.G847E variant (also known as c.2540G>A), located in coding exon 21 of the KDM1A gene, results from a G to A substitution at nucleotide position 2540. The glycine at codon 847 is replaced by glutamic acid, an amino acid with similar properties. This amino acid position is conserved. In addition, this alteration is predicted to be deleterious by in silico analysis. Based on the available evidence, the clinical significance of this variant remains unclear.